The following is an entry in ClinVar:

ClinVar aggregate classification (germline): Uncertain significance (1 of 4 stars; one submission).

Conditions:
Hereditary breast ovarian cancer syndrome. Also called: Hereditary breast and ovarian cancer syndrome (HBOC); Breast and ovarian cancer; Hereditary breast and ovarian cancer syndrome; Hereditary breast and/or ovarian cancer syndrome; Hereditary breast and ovarian cancer; BRCA1- and BRCA2-Associated Hereditary Breast and Ovarian Cancer. Identifiers: Orphanet 145, MedGen C0677776, MeSH D061325, MONDO:0003582. Disease mechanism: loss of function.

Submission:

Labcorp Genetics (formerly Invitae), Labcorp
Classification: Uncertain significance for Hereditary breast ovarian cancer syndrome. Last evaluated: 2021-04-10. Review status: criteria provided, single submitter. Criteria: Invitae Variant Classification Sherloc (09022015). Collection method: clinical testing. Allele origin: germline.
Comment: This sequence change replaces arginine with glycine at codon 136 of the BRCA1 protein (p.Arg136Gly). The arginine residue is moderately conserved and there is a moderate physicochemical difference between arginine and glycine. This variant is not present in population databases (ExAC no frequency). This variant has not been reported in the literature in individuals with BRCA1-related conditions. Advanced modeling of protein sequence and biophysical properties (such as structural, functional, and spatial information, amino acid conservation, physicochemical variation, residue mobility, and thermodynamic stability) performed at Invitae indicates that this missense variant is not expected to disrupt BRCA1 protein function. In summary, the available evidence is currently insufficient to determine the role of this variant in disease. Therefore, it has been classified as a Variant of Uncertain Significance.

NM_007294.4(BRCA1):c.406A>G (p.Arg136Gly)

Gene: BRCA1 (BRCA1 DNA repair associated; minus strand). Cytogenetic location: 17q21.31.
Variant type: single nucleotide variant.
Coding change: c.406A>G on transcript NM_007294.4 (MANE Select); coding-DNA position 406, A replaced by G.
Protein change: p.Arg136Gly; replaces arginine 136 with glycine.
Molecular consequence: missense variant. On other transcripts: non-coding transcript variant (1).
Genome position (GRCh38, 1-based): chr17:43,104,157, T>C on the plus strand (A>G on the coding strand, the complement: BRCA1 is on the minus strand). VCF-style: chr17-43104157-T-C. GRCh37 (hg19) VCF-style: chr17-41256174-T-C.
Other names: c.196A>G, p.Arg66Gly (NM_001407571.1, NM_001407853.1, NM_001407879.1 and 58 more transcripts); c.406A>G, p.Arg136Gly (NM_001407581.1, NM_001407582.1, NM_001407583.1 and 165 more transcripts); c.397A>G, p.Arg133Gly (NM_001407646.1, NM_001407647.1, NM_001408408.1); c.328A>G, p.Arg110Gly (NM_001407653.1, NM_001407654.1, NM_001407655.1 and 21 more transcripts); c.265A>G, p.Arg89Gly (NM_001407692.1, NM_001407694.1, NM_001407695.1 and 99 more transcripts); c.25A>G, p.Arg9Gly (NM_001407959.1, NM_001407960.1, NM_001407962.1 and 4 more transcripts); c.274A>G, p.Arg92Gly (NM_001408451.1); short protein forms R136G, R89G, R66G, R92G, R133G, R110G, R9G.
Identifiers: ClinVar variation 1409763 (VCV001409763.9), dbSNP rs2154548980, ClinGen allele CA10601333.